The following is an entry in ClinVar:

ClinVar aggregate classification (germline): Uncertain significance (1 of 4 stars; one submission).

Submission:

Ambry Genetics
Classification: Uncertain significance. Last evaluated: 2021-12-05. Review status: criteria provided, single submitter. Criteria: Ambry Variant Classification Scheme 2023. Collection method: clinical testing. Allele origin: germline.
Comment: The p.L1436V variant (also known as c.4306T>G), located in coding exon 34 of the PRKDC gene, results from a T to G substitution at nucleotide position 4306. The leucine at codon 1436 is replaced by valine, an amino acid with highly similar properties. This amino acid position is conserved. In addition, the in silico prediction for this alteration is inconclusive. Since supporting evidence is limited at this time, the clinical significance of this alteration remains unclear.

NM_006904.7(PRKDC):c.4306T>G (p.Leu1436Val)

Gene: PRKDC (protein kinase, DNA-activated, catalytic subunit; minus strand). Cytogenetic location: 8q11.21.
Variant type: single nucleotide variant.
Coding change: c.4306T>G on transcript NM_006904.7 (MANE Select); coding-DNA position 4306, T replaced by G.
Protein change: p.Leu1436Val; replaces leucine 1436 with valine.
Molecular consequence: missense variant.
Genome position (GRCh38, 1-based): chr8:47,888,625, A>C on the plus strand (T>G on the coding strand, the complement: PRKDC is on the minus strand). VCF-style: chr8-47888625-A-C. GRCh37 (hg19) VCF-style: chr8-48801186-A-C.
Other names: c.4306T>G, p.Leu1436Val (NM_001081640.2); short protein forms L1436V.
Identifiers: ClinVar variation 1739588 (VCV001739588.2), dbSNP rs2551873588, ClinGen allele CA371145898.